The following is an entry in ClinVar:

ClinVar aggregate classification (germline): Uncertain significance (1 of 4 stars; one submission).

gnomAD v4.1: 6 of 1,613,914 alleles (0.00037%); highest among the groups gnomAD compares: Non-Finnish European, 0.00051%; no homozygotes.

Submission:

Labcorp Genetics (formerly Invitae), Labcorp
Classification: Uncertain significance. Last evaluated: 2022-10-17. Review status: criteria provided, single submitter. Criteria: Invitae Variant Classification Sherloc (09022015). Collection method: clinical testing. Allele origin: germline.
Comment: In summary, the available evidence is currently insufficient to determine the role of this variant in disease. Therefore, it has been classified as a Variant of Uncertain Significance. Advanced modeling of protein sequence and biophysical properties (such as structural, functional, and spatial information, amino acid conservation, physicochemical variation, residue mobility, and thermodynamic stability) performed at Invitae indicates that this missense variant is not expected to disrupt MYO7A protein function. ClinVar contains an entry for this variant (Variation ID: 1351129). This variant has not been reported in the literature in individuals affected with MYO7A-related conditions. This variant is not present in population databases (gnomAD no frequency). This sequence change replaces glutamic acid, which is acidic and polar, with glycine, which is neutral and non-polar, at codon 546 of the MYO7A protein (p.Glu546Gly).

NM_000260.4(MYO7A):c.1637A>G (p.Glu546Gly)

Gene: MYO7A (myosin VIIA; plus strand). Cytogenetic location: 11q13.5.
Variant type: single nucleotide variant.
Coding change: c.1637A>G on transcript NM_000260.4 (MANE Select); coding-DNA position 1637, A replaced by G.
Protein change: p.Glu546Gly; replaces glutamic acid 546 with glycine.
Molecular consequence: missense variant.
Genome position (GRCh38, 1-based): chr11:77,162,935, A>G. VCF-style: chr11-77162935-A-G. GRCh37 (hg19) VCF-style: chr11-76873981-A-G.
Other names: c.1637A>G, p.Glu546Gly (NM_001127180.2); c.1604A>G, p.Glu535Gly (NM_001369365.1); short protein forms E535G, E546G.
Identifiers: ClinVar variation 1351129 (VCV001351129.8), dbSNP rs782413969, ClinGen allele CA381936219.